The following is an entry in ClinVar:

NM_001289125.3(IFNAR2):c.841-85A>G

Genes: IFNAR2 (interferon alpha and beta receptor subunit 2; plus strand), IFNAR2-IL10RB (IFNAR2-IL10RB readthrough; plus strand). Cytogenetic location: 21q22.11.
Variant type: single nucleotide variant.
Coding change: c.841-85A>G on transcript NM_001289125.3 (MANE Select); 85 bases into the intron before coding-DNA position 841, A replaced by G.
Molecular consequence: intron variant. On other transcripts: missense variant (2), 3 prime UTR variant (1).
Genome position (GRCh38, 1-based): chr21:33,262,708, A>G. VCF-style: chr21-33262708-A-G. GRCh37 (hg19) VCF-style: chr21-34635013-A-G.
Other names: c.988A>G, p.Ser330Gly (NM_000874.5, NM_207584.3); c.*131A>G (NM_001385054.1); c.710-5686A>G (NM_001414505.1); c.710-85A>G (NM_001289128.2, NM_001289126.2); c.841-85A>G (NM_207585.3, NM_001385055.1); short protein forms S330G.
Identifiers: ClinVar variation 4886201 (VCV004886201.3).

ClinVar aggregate classification (germline): Conflicting classifications of pathogenicity. Review status: criteria provided, conflicting classifications (1 of 4 stars). 2 submissions from 2 submitters: Uncertain significance (1); Likely benign (1). Last evaluated 2026-01-03.

gnomAD v4.1: 29 of 1,557,530 alleles (0.0019%); highest among the groups gnomAD compares: Admixed American, 0.028%; no homozygotes.

Submissions (2):

Dasa
Classification: Uncertain significance. Last evaluated: 2026-01-03. Review status: criteria provided, single submitter. Criteria: DASA Assertion Criteria. Collection method: clinical testing. Allele origin: germline.
Comment: NM_000874.5(IFNAR2):c.988A>G (p.Ser330Gly) is a missense variant that results in the substitution of serine with glycine. This variant is rare in population databases. Computational prediction algorithms are consistent with a benign effect. The currently available literature and clinical evidence are not sufficient to establish a definitive association between this variant and the reported condition. Therefore, this variant is classified as a variant of uncertain significance.

Blueprint Genetics
Classification: Likely benign. Last evaluated: 2022-08-02. Review status: criteria provided, single submitter. Criteria: ACMG Guidelines, 2015. Collection method: clinical testing. Allele origin: germline.